The following is an entry in ClinVar:

NM_004046.6(ATP5F1A):c.325T>G (p.Leu109Val)

Gene: ATP5F1A (ATP synthase F1 subunit alpha; minus strand). Cytogenetic location: 18q21.1.
Variant type: single nucleotide variant.
Coding change: c.325T>G on transcript NM_004046.6 (MANE Select); coding-DNA position 325, T replaced by G.
Protein change: p.Leu109Val; replaces leucine 109 with valine.
Molecular consequence: missense variant.
Genome position (GRCh38, 1-based): chr18:46,089,981, A>C on the plus strand (T>G on the coding strand, the complement: ATP5F1A is on the minus strand). VCF-style: chr18-46089981-A-C. GRCh37 (hg19) VCF-style: chr18-43669947-A-C.
Other names: c.175T>G, p.Leu59Val (NM_001001935.3, NM_001257335.2); c.325T>G, p.Leu109Val (NM_001001937.2, NM_001257334.2); short protein forms L109V, L59V.
Identifiers: ClinVar variation 4087980 (VCV004087980.1).

ClinVar aggregate classification (germline): Uncertain significance (1 of 4 stars; one submission).

Submission:

GeneDx
Classification: Uncertain significance. Last evaluated: 2025-03-26. Review status: criteria provided, single submitter. Criteria: GeneDx Variant Classification Process June 2021. Collection method: clinical testing. Allele origin: germline. Affected: yes.
Comment: Not observed at significant frequency in large population cohorts (gnomAD); In silico analysis supports that this missense variant has a deleterious effect on protein structure/function; Has not been previously published as pathogenic or benign to our knowledge